The following is an entry in ClinVar:

NM_005802.5(TOPORS):c.2862A>C (p.Thr954=)

Gene: TOPORS (TOP1 binding arginine/serine rich protein, E3 ubiquitin ligase; minus strand). Cytogenetic location: 9p21.1.
Variant type: single nucleotide variant.
Coding change: c.2862A>C on transcript NM_005802.5 (MANE Select); coding-DNA position 2862, A replaced by C.
Protein change: p.Thr954=; no amino-acid change (threonine 954 retained).
Molecular consequence: synonymous variant.
Genome position (GRCh38, 1-based): chr9:32,541,663, T>G on the plus strand (A>C on the coding strand, the complement: TOPORS is on the minus strand). VCF-style: chr9-32541663-T-G. GRCh37 (hg19) VCF-style: chr9-32541661-T-G.
Other names: c.2667A>C, p.Thr889= (NM_001195622.2).
Identifiers: ClinVar variation 196422 (VCV000196422.20), dbSNP rs143560726, ClinGen allele CA243376.

ClinVar aggregate classification (germline): Conflicting classifications of pathogenicity. Review status: criteria provided, conflicting classifications (1 of 4 stars). 5 submissions from 5 submitters: Uncertain significance (2); Likely benign (3). Last evaluated 2026-01-17.

Conditions:
TOPORS-related disorder. Also called: TOPORS-related condition.
Retinitis pigmentosa (RP). Identifiers: Orphanet 791, MedGen C0035334, MeSH D012174, MONDO:0019200, OMIM 268000. Inheritance: Autosomal dominant, autosomal recessive and X linked inheritance.

Allele frequency attached by ClinVar (database versions not stated): gnomAD 0.00017; TOPMed 0.00022; ESP Exome Variant Server 0.00038.

Submissions (5):

Labcorp Genetics (formerly Invitae), Labcorp
Classification: Likely benign. Last evaluated: 2026-01-17. Review status: criteria provided, single submitter. Criteria: Invitae Variant Classification Sherloc (09022015). Collection method: clinical testing. Allele origin: germline.

PreventionGenetics, part of Exact Sciences
Classification: Likely benign for TOPORS-related condition. Last evaluated: 2024-11-12. Review status: criteria provided, single submitter. Criteria: ACMG Guidelines, 2015. Collection method: clinical testing. Allele origin: germline.
Comment: This variant is classified as likely benign based on ACMG/AMP sequence variant interpretation guidelines (Richards et al. 2015 PMID: 25741868, with internal and published modifications).

Blueprint Genetics
Classification: Likely benign. Last evaluated: 2024-05-10. Review status: criteria provided, single submitter. Criteria: ACMG Guidelines, 2015. Collection method: clinical testing. Allele origin: germline.

Illumina Laboratory Services, Illumina
Classification: Uncertain significance for Retinitis pigmentosa. Last evaluated: 2018-01-12. Review status: criteria provided, single submitter. Criteria: ICSL Variant Classification Criteria 13 December 2019. Collection method: clinical testing. Allele origin: germline.

Eurofins Ntd Llc (ga)
Classification: Uncertain significance. Last evaluated: 2014-06-25. Review status: criteria provided, single submitter. Criteria: EGL Classification Definitions 2015. Collection method: clinical testing. Allele origin: germline. Observed: 1 variant allele, 1 heterozygote.